The following is an entry in ClinVar:

ClinVar aggregate classification (germline): Likely pathogenic (1 of 4 stars; one submission).

Conditions:
Hereditary cancer-predisposing syndrome. Also called: Neoplastic Syndromes, Hereditary; Hereditary Cancer Syndrome; Hereditary neoplastic syndrome; Tumor predisposition. Identifiers: Orphanet 140162, MedGen C0027672, MeSH D009386, MONDO:0015356.

Submission:

Ambry Genetics
Classification: Likely pathogenic for Hereditary cancer-predisposing syndrome. Last evaluated: 2024-12-18. Review status: criteria provided, single submitter. Criteria: Ambry Variant Classification Scheme 2023. Collection method: clinical testing. Allele origin: germline.
Comment: The c.145+749A>G intronic variant results from an A to G substitution 749 nucleotides after coding exon 1 in the RAD51C gene. This nucleotide position is highly conserved in available vertebrate species. In silico splice site analysis predicts that this alteration will result in the creation or strengthening of a novel splice donor site. RNA studies have demonstrated that this alteration results in abnormal splicing in the set of samples tested (Ambry internal data). Based on the majority of available evidence to date, this variant is likely to be pathogenic.

NM_058216.3(RAD51C):c.145+749A>G

Gene: RAD51C (RAD51 paralog C; plus strand). Cytogenetic location: 17q22.
Variant type: single nucleotide variant.
Coding change: c.145+749A>G on transcript NM_058216.3 (MANE Select); 749 bases into the intron after coding-DNA position 145, A replaced by G.
Molecular consequence: intron variant.
Genome position (GRCh38, 1-based): chr17:58,693,537, A>G. VCF-style: chr17-58693537-A-G. GRCh37 (hg19) VCF-style: chr17-56770898-A-G.
Other names: c.145+749A>G (NM_002876.4).
Identifiers: ClinVar variation 2562773 (VCV002562773.3), dbSNP rs2509267906, ClinGen allele CA2580612649.